The following is an entry in ClinVar:

NM_000321.3(RB1):c.2568C>A (p.Asp856Glu)

Gene: RB1 (RB transcriptional corepressor 1; plus strand). Cytogenetic location: 13q14.2.
Variant type: single nucleotide variant.
Coding change: c.2568C>A on transcript NM_000321.3 (MANE Select); coding-DNA position 2568, C replaced by A.
Protein change: p.Asp856Glu; replaces aspartic acid 856 with glutamic acid.
Molecular consequence: missense variant.
Genome position (GRCh38, 1-based): chr13:48,476,748, C>A. VCF-style: chr13-48476748-C-A. GRCh37 (hg19) VCF-style: chr13-49050884-C-A.
Other names: short protein forms D856E.
Identifiers: ClinVar variation 821497 (VCV000821497.17), dbSNP rs1566240957, ClinGen allele CA388157279.

ClinVar aggregate classification (germline): Conflicting classifications of pathogenicity. Review status: criteria provided, conflicting classifications (1 of 4 stars). 4 submissions from 4 submitters: Uncertain significance (3); Benign (1). Last evaluated 2026-05-05.

Conditions:
Hereditary cancer-predisposing syndrome. Also called: Tumor predisposition; Neoplastic Syndromes, Hereditary; Hereditary neoplastic syndrome; Hereditary Cancer Syndrome. Identifiers: Orphanet 140162, MedGen C0027672, MeSH D009386, MONDO:0015356.
Retinoblastoma (RB1). Also called: RETINOBLASTOMA, SOMATIC. Identifiers: Orphanet 790, MedGen C0035335, MeSH D012175, MONDO:0008380, OMIM 180200, HP:0009919. Disease mechanism: loss of function. Inheritance: Both sporadic and heritable forms are tested..

Allele frequency attached by ClinVar (database versions not stated): TOPMed below 0.00001; gnomAD 0.00001; gnomAD exomes 0.00002.
gnomAD v4.1: 23 of 1,613,378 alleles (0.0014%); highest among the groups gnomAD compares: South Asian, 0.0033%; no homozygotes.

Submissions (4):

Ambry Genetics
Classification: Benign for Hereditary cancer-predisposing syndrome. Last evaluated: 2026-05-05. Review status: criteria provided, single submitter. Criteria: Ambry Variant Classification Scheme 2023. Collection method: clinical testing. Allele origin: germline.

Color Diagnostics, LLC DBA Color Health
Classification: Uncertain significance for Retinoblastoma. Last evaluated: 2025-09-05. Review status: criteria provided, single submitter. Criteria: ACMG Guidelines, 2015. Collection method: clinical testing. Allele origin: germline.
Comment: This missense variant replaces aspartic acid with glutamic acid at codon 856 of the RB1 protein. Computational prediction suggests that this variant may not impact protein structure and function. To our knowledge, functional studies have not been reported for this variant. This variant has not been reported in individuals affected with RB1-related disorders in the literature. This variant has not been identified in the general population by the Genome Aggregation Database (gnomAD). The available evidence is insufficient to determine the role of this variant in disease conclusively. Therefore, this variant is classified as a Variant of Uncertain Significance.

Labcorp Genetics (formerly Invitae), Labcorp
Classification: Uncertain significance for Retinoblastoma. Last evaluated: 2025-06-02. Review status: criteria provided, single submitter. Criteria: Invitae Variant Classification Sherloc (09022015). Collection method: clinical testing. Allele origin: germline.
Comment: This sequence change replaces aspartic acid, which is acidic and polar, with glutamic acid, which is acidic and polar, at codon 856 of the RB1 protein (p.Asp856Glu). This variant is not present in population databases (gnomAD no frequency). This variant has not been reported in the literature in individuals affected with RB1-related conditions. ClinVar contains an entry for this variant (Variation ID: 821497). Invitae Evidence Modeling of protein sequence and biophysical properties (such as structural, functional, and spatial information, amino acid conservation, physicochemical variation, residue mobility, and thermodynamic stability) indicates that this missense variant is not expected to disrupt RB1 protein function with a negative predictive value of 80%. In summary, the available evidence is currently insufficient to determine the role of this variant in disease. Therefore, it has been classified as a Variant of Uncertain Significance.

All of Us Research Program, National Institutes of Health
Classification: Uncertain significance for Retinoblastoma. Last evaluated: 2023-09-17. Review status: criteria provided, single submitter. Criteria: ACMG Guidelines, 2015. Collection method: clinical testing. Allele origin: germline. Inheritance: Autosomal dominant inheritance. Observed: 1 variant allele, 1 heterozygote.
Comment: This missense variant replaces aspartic acid with glutamic acid at codon 856 of the RB1 protein. Computational prediction suggests that this variant may not impact protein structure and function (internally defined REVEL score threshold <= 0.5, PMID: 27666373). To our knowledge, functional studies have not been reported for this variant. This variant has not been reported in individuals affected with RB1-related disorders in the literature. This variant has not been identified in the general population by the Genome Aggregation Database (gnomAD). The available evidence is insufficient to determine the role of this variant in disease conclusively. Therefore, this variant is classified as a Variant of Uncertain Significance.

This study involves interpretation of variants in research participants for the purpose of population health screening. Participant phenotype was not available at the time of variant classification. Additional details can be found in publication PMID: 35346344, PMCID: PMC8962531